The following is an entry in ClinVar:

ClinVar aggregate classification (germline): Uncertain significance. Review status: criteria provided, multiple submitters, no conflicts (2 of 4 stars). 4 submissions from 4 submitters: Uncertain significance (4). Last evaluated 2025-07-31.

Conditions:
Chédiak-Higashi syndrome (CHS). Also called: Chediak-Higashi Syndrome. Identifiers: Orphanet 167, MedGen C0007965, MONDO:0008963, OMIM 214500.

Allele frequency attached by ClinVar (database versions not stated): ExAC 0.00004; gnomAD exomes 0.00004; TOPMed 0.00008; gnomAD 0.00011; 1000 Genomes Project 30x 0.00031; ESP Exome Variant Server 0.00031; 1000 Genomes Project 0.00040.
gnomAD v4.1: 70 of 1,613,792 alleles (0.0043%); highest among the groups gnomAD compares: African/African-American, 0.033%; no homozygotes.

Submissions (4):

Labcorp Genetics (formerly Invitae), Labcorp
Classification: Uncertain significance for Chédiak-Higashi syndrome. Last evaluated: 2025-07-31. Review status: criteria provided, single submitter. Criteria: Invitae Variant Classification Sherloc (09022015). Collection method: clinical testing. Allele origin: germline.
Comment: This sequence change replaces serine, which is neutral and polar, with leucine, which is neutral and non-polar, at codon 522 of the LYST protein (p.Ser522Leu). This variant is present in population databases (rs147963856, gnomAD 0.02%). This variant has not been reported in the literature in individuals affected with LYST-related conditions. ClinVar contains an entry for this variant (Variation ID: 525172). Invitae Evidence Modeling of protein sequence and biophysical properties (such as structural, functional, and spatial information, amino acid conservation, physicochemical variation, residue mobility, and thermodynamic stability) indicates that this missense variant is not expected to disrupt LYST protein function with a negative predictive value of 80%. In summary, the available evidence is currently insufficient to determine the role of this variant in disease. Therefore, it has been classified as a Variant of Uncertain Significance.

Mayo Clinic Laboratories, Mayo Clinic
Classification: Uncertain significance. Last evaluated: 2025-06-05. Review status: criteria provided, single submitter. Criteria: ACMG Guidelines, 2015. Collection method: clinical testing. Allele origin: germline. Observed: 1 variant allele.

Blueprint Genetics
Classification: Uncertain significance. Last evaluated: 2023-11-28. Review status: criteria provided, single submitter. Criteria: ACMG Guidelines, 2015. Collection method: clinical testing. Allele origin: germline.

Illumina Laboratory Services, Illumina
Classification: Uncertain significance for Chédiak-Higashi syndrome. Last evaluated: 2017-04-27. Review status: criteria provided, single submitter. Criteria: ICSL Variant Classification Criteria 13 December 2019. Collection method: clinical testing. Allele origin: germline.

NM_000081.4(LYST):c.1565C>T (p.Ser522Leu)

Gene: LYST (lysosomal trafficking regulator; minus strand). Cytogenetic location: 1q42.3.
Variant type: single nucleotide variant.
Coding change: c.1565C>T on transcript NM_000081.4 (MANE Select); coding-DNA position 1565, C replaced by T.
Protein change: p.Ser522Leu; replaces serine 522 with leucine.
Molecular consequence: missense variant.
Genome position (GRCh38, 1-based): chr1:235,809,253, G>A on the plus strand (C>T on the coding strand, the complement: LYST is on the minus strand). VCF-style: chr1-235809253-G-A. GRCh37 (hg19) VCF-style: chr1-235972553-G-A.
Other names: p.Ser522Leu; c.1565C>T, p.Ser522Leu (NM_001301365.1); short protein forms S522L.
Identifiers: ClinVar variation 525172 (VCV000525172.10), dbSNP rs147963856, ClinGen allele CA1467450.